The following is an entry in ClinVar:

NM_019597.5(HNRNPH2):c.460dup (p.Glu154fs)

Genes: HNRNPH2 (heterogeneous nuclear ribonucleoprotein H2; plus strand), RPL36A-HNRNPH2 (RPL36A-HNRNPH2 readthrough; plus strand). Cytogenetic location: Xq22.1.
Variant type: Duplication.
Coding change: c.460dup on transcript NM_019597.5 (MANE Select); coding-DNA position 460, one base duplicated (G; older notation c.460dupG).
Protein change: p.Glu154fs; shifts the reading frame from glutamic acid 154.
Molecular consequence: frameshift variant. On other transcripts: 3 prime UTR variant (2).
Genome position (GRCh38, 1-based): chrX:101,412,448, G duplicated; the last of 4 consecutive G bases (chrX:101,412,445-101,412,448); duplicating any one gives the same sequence. VCF-style (leftmost placement, unchanged base first): chrX-101412444-A-AG. GRCh37 (hg19) VCF-style: chrX-100667432-A-AG.
Other names: c.*456dup (NM_001199973.2, NM_001199974.2); c.460dup, p.Glu154fs (NM_001032393.3); short protein forms E154fs.
Identifiers: ClinVar variation 3369432 (VCV003369432.1).

ClinVar aggregate classification (germline): Uncertain significance (1 of 4 stars; one submission).

Submission:

GeneDx
Classification: Uncertain significance. Last evaluated: 2024-02-26. Review status: criteria provided, single submitter. Criteria: GeneDx Variant Classification Process June 2021. Collection method: clinical testing. Allele origin: germline. Affected: yes.
Comment: Not observed at significant frequency in large population cohorts (gnomAD); Frameshift variant predicted to result in abnormal protein length as the last 296 amino acids are replaced with 12 different amino acids; Has not been previously published as pathogenic or benign to our knowledge